The following is an entry in ClinVar:

NM_001903.5(CTNNA1):c.51T>C (p.Ser17=)

Gene: CTNNA1 (catenin alpha 1; plus strand). Cytogenetic location: 5q31.2.
Variant type: single nucleotide variant.
Coding change: c.51T>C on transcript NM_001903.5 (MANE Select); coding-DNA position 51, T replaced by C.
Protein change: p.Ser17=; no amino-acid change (serine 17 retained).
Molecular consequence: synonymous variant. On other transcripts: 5 prime UTR variant (2).
Genome position (GRCh38, 1-based): chr5:138,781,975, T>C. VCF-style: chr5-138781975-T-C. GRCh37 (hg19) VCF-style: chr5-138117664-T-C.
Other names: c.51T>C, p.Ser17= (NM_001290307.3, NM_001323982.2, NM_001323983.1 and 3 more transcripts); c.-63T>C (NM_001290309.3); c.-156T>C (NM_001290310.3).
Identifiers: ClinVar variation 3773291 (VCV003773291.1).

ClinVar aggregate classification (germline): Benign (1 of 4 stars; one submission).

Conditions:
Hereditary diffuse gastric adenocarcinoma (HDGC). Also called: DIFFUSE GASTRIC AND LOBULAR BREAST CANCER SYNDROME. Identifiers: Orphanet 26106, MedGen C1708349, MONDO:0007648, OMIM 137215.

Submission:

Myriad Genetics, Inc.
Classification: Benign for Hereditary diffuse gastric adenocarcinoma. Last evaluated: 2024-10-09. Review status: criteria provided, single submitter. Criteria: Myriad Autosomal Dominant, Autosomal Recessive and X-Linked Classification Criteria (2023). Collection method: clinical testing. Allele origin: unknown.
Comment: This variant is considered benign. This variant is a silent/synonymous amino acid change and it is not expected to impact splicing.